The following is an entry in ClinVar:

NM_001009999.3(KDM1A):c.2582C>G (p.Pro861Arg)

Gene: KDM1A (lysine demethylase 1A; plus strand). Cytogenetic location: 1p36.12.
Variant type: single nucleotide variant.
Coding change: c.2582C>G on transcript NM_001009999.3 (MANE Select); coding-DNA position 2582, C replaced by G.
Protein change: p.Pro861Arg; replaces proline 861 with arginine.
Molecular consequence: missense variant. On other transcripts: 3 prime UTR variant (1).
Genome position (GRCh38, 1-based): chr1:23,083,315, C>G. VCF-style: chr1-23083315-C-G. GRCh37 (hg19) VCF-style: chr1-23409808-C-G.
Other names: c.2528C>G, p.Pro843Arg (NM_001363654.2); c.2588C>G, p.Pro863Arg (NM_001410762.1); c.*830C>G (NM_001410763.1); c.2510C>G, p.Pro837Arg (NM_015013.4); short protein forms P863R, P837R, P843R, P861R.
Identifiers: ClinVar variation 2761713 (VCV002761713.3), dbSNP rs2522827860, ClinGen allele CA338972987.
Genomic context (GRCh38, chr1:23,083,315, plus strand): 5'-GTGGGCTGCGAGAAGCGGGAAGAATTGCAGACCAGTTTTTGGGGGCCATGTATACGCTGC[C>G]TCGCCAGGCCACACCAGGTGTTCCTGCACAGCAGTCCCCAAGCATGTGAGACAGATGCAT-3'
Protein context (NP_001009999.1, residues 851-871): DQFLGAMYTL[Pro861Arg]RQATPGVPAQ

ClinVar aggregate classification (germline): Uncertain significance (1 of 4 stars; one submission).

Submission:

Labcorp Genetics (formerly Invitae), Labcorp
Classification: Uncertain significance. Last evaluated: 2023-10-20. Review status: criteria provided, single submitter. Criteria: Invitae Variant Classification Sherloc (09022015). Collection method: clinical testing. Allele origin: germline.
Comment: This sequence change replaces proline, which is neutral and non-polar, with arginine, which is basic and polar, at codon 861 of the KDM1A protein (p.Pro861Arg). This variant is not present in population databases (gnomAD no frequency). This variant has not been reported in the literature in individuals affected with KDM1A-related conditions. An algorithm developed to predict the effect of missense changes on protein structure and function (PolyPhen-2) suggests that this variant is likely to be disruptive. In summary, the available evidence is currently insufficient to determine the role of this variant in disease. Therefore, it has been classified as a Variant of Uncertain Significance.